The following is an entry in ClinVar:

ClinVar aggregate classification (germline): Conflicting classifications of pathogenicity. Review status: criteria provided, conflicting classifications (1 of 4 stars). 2 submissions from 2 submitters: Likely pathogenic (1); Uncertain significance (1). Last evaluated 2025-07-02.

Conditions:
Hereditary hemochromatosis (HFE). Identifiers: MedGen C0392514, MONDO:0006507. Disease mechanism: loss of function.

Allele frequency attached by ClinVar (database versions not stated): gnomAD 0.00001; TOPMed 0.00001; ExAC 0.00002.

Submissions (2):

Women's Health and Genetics/Laboratory Corporation of America, LabCorp
Classification: Uncertain significance. Last evaluated: 2025-07-02. Review status: criteria provided, single submitter. Criteria: LabCorp Variant Classification Summary - May 2015. Collection method: clinical testing. Allele origin: germline.
Comment: Variant summary: HFE c.199C>T (p.Arg67Cys) results in a non-conservative amino acid change in the encoded protein sequence. Algorithms developed to predict the effect of missense changes on protein structure and function are either unavailable or do not agree on the potential impact of this missense change. The variant allele was found at a frequency of 8e-06 in 251484 control chromosomes (gnomAD). c.199C>T has been observed in individuals affected with Hemochromatosis Type 1 (Aguilar-Martinez_2011). These data indicate that the variant may be associated with disease. To our knowledge, no experimental evidence demonstrating an impact on protein function has been reported. The following publication has been ascertained in the context of this evaluation (PMID: 21228038). ClinVar contains an entry for this variant (Variation ID: 2961876). Based on the evidence outlined above, the variant was classified as VUS-possibly pathogenic.

Labcorp Genetics (formerly Invitae), Labcorp
Classification: Likely pathogenic for Hereditary hemochromatosis. Last evaluated: 2025-01-29. Review status: criteria provided, single submitter. Criteria: Invitae Variant Classification Sherloc (09022015). Collection method: clinical testing. Allele origin: germline.
Comment: This sequence change replaces arginine, which is basic and polar, with cysteine, which is neutral and slightly polar, at codon 67 of the HFE protein (p.Arg67Cys). This variant is present in population databases (rs772818312, gnomAD 0.003%). This missense change has been observed in individual(s) with clinical features of hereditary hemochromatosis (PMID: 21228038). In at least one individual the data is consistent with being in trans (on the opposite chromosome) from a pathogenic variant. It has also been observed to segregate with disease in related individuals. ClinVar contains an entry for this variant (Variation ID: 2961876). Invitae Evidence Modeling of protein sequence and biophysical properties (such as structural, functional, and spatial information, amino acid conservation, physicochemical variation, residue mobility, and thermodynamic stability) indicates that this missense variant is expected to disrupt HFE protein function with a positive predictive value of 80%. In summary, the currently available evidence indicates that the variant is pathogenic, but additional data are needed to prove that conclusively. Therefore, this variant has been classified as Likely Pathogenic.

Literature cited by the submitters: PubMed 21228038 (cited by Women's Health and Genetics/Laboratory Corporation of America, LabCorp and Labcorp Genetics (formerly Invitae), Labcorp).

NM_000410.4(HFE):c.199C>T (p.Arg67Cys)

Genes: HFE (homeostatic iron regulator; plus strand), HFE-AS1 (HFE antisense RNA 1; minus strand). Cytogenetic location: 6p22.2.
Variant type: single nucleotide variant.
Coding change: c.199C>T on transcript NM_000410.4 (MANE Select); coding-DNA position 199, C replaced by T.
Protein change: p.Arg67Cys; replaces arginine 67 with cysteine.
Molecular consequence: missense variant. On other transcripts: non-coding transcript variant (1), intron variant (5).
Genome position (GRCh38, 1-based): chr6:26,090,963, C>T. VCF-style: chr6-26090963-C-T. GRCh37 (hg19) VCF-style: chr6-26091191-C-T.
Other names: c.199C>T, p.Arg67Cys (NM_001300749.3, NM_001384164.1, NM_001406751.1 and 3 more transcripts); c.130C>T, p.Arg44Cys (NM_139009.3); c.77-351C>T (NM_139007.3, NM_001406752.1, NM_139008.3); c.77-1722C>T (NM_139010.3); c.77-2156C>T (NM_139011.3); short protein forms R67C, R44C.
Identifiers: ClinVar variation 2961876 (VCV002961876.5), dbSNP rs772818312, ClinGen allele CA3666609.